The following is an entry in ClinVar:

ClinVar aggregate classification (germline): Uncertain significance (1 of 4 stars; one submission).

Conditions:
46,XY sex reversal 6. Also called: 46,XY GONADAL DYSGENESIS, PARTIAL OR COMPLETE, MAP3K1-RELATED; 46,XY SEX REVERSAL, PARTIAL OR COMPLETE, MAP3K1-RELATED. Identifiers: MedGen C3151064, MONDO:0013410, OMIM 613762.

Allele frequency attached by ClinVar (database versions not stated): gnomAD exomes below 0.00001.
gnomAD v4.1: 2 of 1,612,552 alleles (0.00012%); highest among the groups gnomAD compares: Non-Finnish European, 0.00017%; no homozygotes.

Submission:

Labcorp Genetics (formerly Invitae), Labcorp
Classification: Uncertain significance for 46,XY sex reversal 6. Last evaluated: 2022-08-17. Review status: criteria provided, single submitter. Criteria: Invitae Variant Classification Sherloc (09022015). Collection method: clinical testing. Allele origin: germline.
Comment: This sequence change replaces proline, which is neutral and non-polar, with arginine, which is basic and polar, at codon 1203 of the MAP3K1 protein (p.Pro1203Arg). This variant is not present in population databases (gnomAD no frequency). This variant has not been reported in the literature in individuals affected with MAP3K1-related conditions. Algorithms developed to predict the effect of missense changes on protein structure and function (SIFT, PolyPhen-2, Align-GVGD) all suggest that this variant is likely to be disruptive. In summary, the available evidence is currently insufficient to determine the role of this variant in disease. Therefore, it has been classified as a Variant of Uncertain Significance.

NM_005921.2(MAP3K1):c.3608C>G (p.Pro1203Arg)

Genes: MAP3K1 (mitogen-activated protein kinase kinase kinase 1; plus strand), LOC126807392 (CDK7 strongly-dependent group 2 enhancer GRCh37_chr5:56178189-56179388; plus strand). Cytogenetic location: 5q11.2.
Variant type: single nucleotide variant.
Coding change: c.3608C>G on transcript NM_005921.2 (MANE Select); coding-DNA position 3608, C replaced by G.
Protein change: p.Pro1203Arg; replaces proline 1203 with arginine.
Molecular consequence: missense variant.
Genome position (GRCh38, 1-based): chr5:56,882,808, C>G. VCF-style: chr5-56882808-C-G. GRCh37 (hg19) VCF-style: chr5-56178635-C-G.
Other names: short protein forms P1203R.
Identifiers: ClinVar variation 2094810 (VCV002094810.4), dbSNP rs2530958100, ClinGen allele CA359789211.